The following is an entry in ClinVar:

NM_000069.3(CACNA1S):c.5057A>G (p.Tyr1686Cys)

Gene: CACNA1S (calcium voltage-gated channel subunit alpha1 S; minus strand). Cytogenetic location: 1q32.1.
Variant type: single nucleotide variant.
Coding change: c.5057A>G on transcript NM_000069.3 (MANE Select); coding-DNA position 5057, A replaced by G.
Protein change: p.Tyr1686Cys; replaces tyrosine 1686 with cysteine.
Molecular consequence: missense variant.
Genome position (GRCh38, 1-based): chr1:201,041,581, T>C on the plus strand (A>G on the coding strand, the complement: CACNA1S is on the minus strand). VCF-style: chr1-201041581-T-C. GRCh37 (hg19) VCF-style: chr1-201010709-T-C.
Other names: p.Tyr1686Cys; short protein forms Y1686C.
Identifiers: ClinVar variation 3380505 (VCV003380505.1).

ClinVar aggregate classification (germline): Uncertain significance (1 of 4 stars; one submission).

gnomAD v4.1: 4 of 1,612,760 alleles (0.00025%); highest among the groups gnomAD compares: Admixed American, 0.0017%; no homozygotes.

Submission:

Mayo Clinic Laboratories, Mayo Clinic
Classification: Uncertain significance. Last evaluated: 2024-05-07. Review status: criteria provided, single submitter. Criteria: ACMG Guidelines, 2015. Collection method: clinical testing. Allele origin: germline. Observed: 1 variant allele.
Comment: BP4